The following is an entry in ClinVar:

ClinVar aggregate classification (germline): Likely benign (0 of 4 stars; one submission).

Conditions:
CNTN6-related disorder. Also called: CNTN6-related condition.

Allele frequency attached by ClinVar (database versions not stated): TOPMed 0.00002; gnomAD 0.00003; ESP Exome Variant Server 0.00008.
gnomAD v4.1: 52 of 1,612,464 alleles (0.0032%); highest among the groups gnomAD compares: Non-Finnish European, 0.004%; no homozygotes.

Submission:

PreventionGenetics, part of Exact Sciences
Classification: Likely benign for CNTN6-related condition. Last evaluated: 2019-05-21. Review status: no assertion criteria provided. Collection method: clinical testing. Allele origin: germline.
Comment: This variant is classified as likely benign based on ACMG/AMP sequence variant interpretation guidelines (Richards et al. 2015 PMID: 25741868, with internal and published modifications).

NM_001289080.2(CNTN6):c.2523A>G (p.Leu841=)

Gene: CNTN6 (contactin 6; plus strand). Cytogenetic location: 3p26.3.
Variant type: single nucleotide variant.
Coding change: c.2523A>G on transcript NM_001289080.2 (MANE Select); coding-DNA position 2523, A replaced by G.
Protein change: p.Leu841=; no amino-acid change (leucine 841 retained).
Molecular consequence: synonymous variant.
Genome position (GRCh38, 1-based): chr3:1,385,616, A>G. VCF-style: chr3-1385616-A-G. GRCh37 (hg19) VCF-style: chr3-1427300-A-G.
Other names: c.2307A>G, p.Leu769= (NM_001289081.2); c.2523A>G, p.Leu841= (NM_001349350.2, NM_001349351.2, NM_001349352.2 and 4 more transcripts); c.2415A>G, p.Leu805= (NM_001349356.2); c.2211A>G, p.Leu737= (NM_001349357.2); c.1968A>G, p.Leu656= (NM_001349358.2); c.1401A>G, p.Leu467= (NM_001349359.2, NM_001349360.2, NM_001349361.2 and 1 more transcripts).
Identifiers: ClinVar variation 3038543 (VCV003038543.2), dbSNP rs377237687, ClinGen allele CA2226639.
Genomic context (GRCh38, chr3:1,385,616, plus strand): 5'-TGATTGATAGTTATTGGGGAACAATAAATTGCTTGTTTTGGTTTTTAATTATCAGGTCTT[A>G]TACTGGACAGATGACTCCAAAGAATCCATGATAGGTAAAATTAGAGTCAGTGGAAATGTC-3'
Protein context (NP_001276009.1, residues 831-851): NTGRVLGYEV[Leu841=]YWTDDSKESM